The following is an entry in ClinVar:

NM_020821.3(VPS13C):c.7311G>A (p.Lys2437=)

Gene: VPS13C (vacuolar protein sorting 13 homolog C; minus strand). Cytogenetic location: 15q22.2.
Variant type: single nucleotide variant.
Coding change: c.7311G>A on transcript NM_020821.3 (MANE Select); coding-DNA position 7311, G replaced by A.
Protein change: p.Lys2437=; no amino-acid change (lysine 2437 retained).
Molecular consequence: synonymous variant.
Genome position (GRCh38, 1-based): chr15:61,920,233, C>T on the plus strand (G>A on the coding strand, the complement: VPS13C is on the minus strand). VCF-style: chr15-61920233-C-T. GRCh37 (hg19) VCF-style: chr15-62212432-C-T.
Other names: c.7311G>A, p.Lys2437= (NM_001018088.3); c.7182G>A, p.Lys2394= (NM_017684.5, NM_018080.4).
Identifiers: ClinVar variation 3034183 (VCV003034183.2), dbSNP rs775643390, ClinGen allele CA7595296.
Genomic context (GRCh38, chr15:61,920,233, plus strand): 5'-ATCAACATCAAAAATATCACTTTTCTCAGGGAAGCCCATTACTCTGAGATTACAATTGGG[C>T]TTCACCTTAATGGGAACACCTACAGCATTTTTTACCGTAAAAGGAGCTCTGTCCTTTAAA-3'
Protein context (NP_065872.1, residues 2427-2447): KNAVGVPIKV[Lys2437=]PNCNLRVMGF

ClinVar aggregate classification (germline): Likely benign (0 of 4 stars; one submission).

Conditions:
VPS13C-related disorder. Also called: VPS13C-related condition.

Allele frequency attached by ClinVar (database versions not stated): ExAC 0.00001; gnomAD exomes 0.00002.
gnomAD v4.1: 13 of 1,613,566 alleles (0.00081%); highest among the groups gnomAD compares: Non-Finnish European, 0.001%; no homozygotes.

Submission:

PreventionGenetics, part of Exact Sciences
Classification: Likely benign for VPS13C-related condition. Last evaluated: 2022-06-07. Review status: no assertion criteria provided. Collection method: clinical testing. Allele origin: germline.
Comment: This variant is classified as likely benign based on ACMG/AMP sequence variant interpretation guidelines (Richards et al. 2015 PMID: 25741868, with internal and published modifications).